The following is an entry in ClinVar:

NM_006206.6(PDGFRA):c.2881-10A>C

Gene: PDGFRA (platelet derived growth factor receptor alpha; plus strand). Cytogenetic location: 4q12.
Variant type: single nucleotide variant.
Coding change: c.2881-10A>C on transcript NM_006206.6 (MANE Select); 10 bases into the intron before coding-DNA position 2881, A replaced by C.
Molecular consequence: intron variant.
Genome position (GRCh38, 1-based): chr4:54,290,303, A>C. VCF-style: chr4-54290303-A-C. GRCh37 (hg19) VCF-style: chr4-55156470-A-C.
Other names: c.2956-10A>C (NM_001347828.2); c.2881-10A>C (NM_001347829.2); c.2920-10A>C (NM_001347830.2).
Identifiers: ClinVar variation 1649527 (VCV001649527.9), dbSNP rs781711990, ClinGen allele CA1458540524.
Genomic context (GRCh38, chr4:54,290,303, plus strand): 5'-GAGTGTCTCTATTCATTTTTGAGGTTTGGTTGTTAACACTTGATTAAATATGTTCAATGA[A>C]TGTTTATAGAGTTATGAAAAAATTCACCTGGACTTCCTGAAGAGTGACCATCCTGCTGTG-3'

ClinVar aggregate classification (germline): Likely benign. Review status: criteria provided, multiple submitters, no conflicts (2 of 4 stars). 2 submissions from 2 submitters: Likely benign (2). Last evaluated 2026-06-15.

Conditions:
Gastrointestinal stromal tumor. Also called: Gastrointestinal stroma tumor; Gastrointestinal stromal tumor, somatic. Identifiers: Orphanet 44890, MedGen C0238198, MeSH D046152, MONDO:0011719, OMIM 606764, HP:0100723.
Polyps, multiple and recurrent inflammatory fibroid, gastrointestinal. Identifiers: MedGen C5193005, MONDO:0008285, OMIM 175510.

Allele frequency attached by ClinVar (database versions not stated): TOPMed below 0.00001.

Submissions (2):

Myriad Genetics, Inc.
Classification: Likely benign for Polyps, multiple and recurrent inflammatory fibroid, gastrointestinal. Last evaluated: 2026-06-15. Review status: criteria provided, single submitter. Criteria: Myriad Autosomal Dominant, Autosomal Recessive and X-Linked Classification Criteria (2023). Collection method: clinical testing. Allele origin: unknown.
Comment: This variant is considered likely benign. This variant is intronic and is not expected to impact mRNA splicing.

Labcorp Genetics (formerly Invitae), Labcorp
Classification: Likely benign for Gastrointestinal stromal tumor. Last evaluated: 2024-05-21. Review status: criteria provided, single submitter. Criteria: Invitae Variant Classification Sherloc (09022015). Collection method: clinical testing. Allele origin: germline.